The following is an entry in ClinVar:

NM_153676.4(USH1C):c.496+2T>A

Gene: USH1C (USH1 protein network component harmonin; minus strand). Cytogenetic location: 11p15.1.
Variant type: single nucleotide variant.
Coding change: c.496+2T>A on transcript NM_153676.4 (MANE Select); the canonical splice donor site of the intron after coding-DNA position 496, T replaced by A.
Molecular consequence: splice donor variant.
Genome position (GRCh38, 1-based): chr11:17,527,221, A>T on the plus strand (T>A on the coding strand, the complement: USH1C is on the minus strand). VCF-style: chr11-17527221-A-T. GRCh37 (hg19) VCF-style: chr11-17548768-A-T.
Other names: c.496+2T>A (NM_001297764.2, NM_005709.4).
Identifiers: ClinVar variation 2721668 (VCV002721668.3), dbSNP rs1449256750, ClinGen allele CA379795121.

ClinVar aggregate classification (germline): Pathogenic (1 of 4 stars; one submission).

Submission:

Labcorp Genetics (formerly Invitae), Labcorp
Classification: Pathogenic. Last evaluated: 2025-01-15. Review status: criteria provided, single submitter. Criteria: Invitae Variant Classification Sherloc (09022015). Collection method: clinical testing. Allele origin: germline.
Comment: This sequence change affects a donor splice site in intron 5 of the USH1C gene. It is expected to disrupt RNA splicing. Variants that disrupt the donor or acceptor splice site typically lead to a loss of protein function (PMID: 16199547), and loss-of-function variants in USH1C are known to be pathogenic (PMID: 10973247, 17407589, 20301442, 21203349). This variant is not present in population databases (gnomAD no frequency). Disruption of this splice site has been observed in individuals with Usher syndrome (PMID: 11139240, 22135276, 24416283, 27743452). ClinVar contains an entry for this variant (Variation ID: 2721668). Algorithms developed to predict the effect of sequence changes on RNA splicing suggest that this variant may disrupt the consensus splice site. For these reasons, this variant has been classified as Pathogenic.

Literature cited by the submitters: PubMed 16199547; PubMed 10973247; PubMed 17407589; PubMed 20301442; PubMed 21203349; PubMed 11139240; PubMed 22135276; PubMed 24416283; PubMed 27743452.